The following is an entry in ClinVar:

ClinVar aggregate classification (germline): Uncertain significance (1 of 4 stars; one submission).

Conditions:
Gastrointestinal stromal tumor. Also called: Gastrointestinal stromal tumor, somatic; Gastrointestinal stroma tumor. Identifiers: Orphanet 44890, MedGen C0238198, MeSH D046152, MONDO:0011719, OMIM 606764, HP:0100723.

Submission:

Labcorp Genetics (formerly Invitae), Labcorp
Classification: Uncertain significance for Gastrointestinal stromal tumor. Last evaluated: 2020-09-23. Review status: criteria provided, single submitter. Criteria: Invitae Variant Classification Sherloc (09022015). Collection method: clinical testing. Allele origin: germline.
Comment: This variant has not been reported in the literature in individuals with KIT-related conditions. This sequence change replaces phenylalanine with serine at codon 506 of the KIT protein (p.Phe506Ser). The phenylalanine residue is highly conserved and there is a large physicochemical difference between phenylalanine and serine. This variant is not present in population databases (ExAC no frequency). In summary, the available evidence is currently insufficient to determine the role of this variant in disease. Therefore, it has been classified as a Variant of Uncertain Significance. Algorithms developed to predict the effect of missense changes on protein structure and function (SIFT, PolyPhen-2, Align-GVGD) all suggest that this variant is likely to be disruptive, but these predictions have not been confirmed by published functional studies and their clinical significance is uncertain.

NM_000222.3(KIT):c.1517T>C (p.Phe506Ser)

Gene: KIT (KIT proto-oncogene, receptor tyrosine kinase; plus strand). Cytogenetic location: 4q12.
Variant type: single nucleotide variant.
Coding change: c.1517T>C on transcript NM_000222.3 (MANE Select); coding-DNA position 1517, T replaced by C.
Protein change: p.Phe506Ser; replaces phenylalanine 506 with serine.
Molecular consequence: missense variant.
Genome position (GRCh38, 1-based): chr4:54,726,027, T>C. VCF-style: chr4-54726027-T-C. GRCh37 (hg19) VCF-style: chr4-55592193-T-C.
Other names: c.1517T>C, p.Phe506Ser (NM_001093772.2, NM_001385285.1, NM_001385286.1); c.1520T>C, p.Phe507Ser (NM_001385284.1, NM_001385288.1, NM_001385290.1 and 1 more transcripts); short protein forms F506S, F507S.
Identifiers: ClinVar variation 1014180 (VCV001014180.9), dbSNP rs1722196973, ClinGen allele CA356906657.
Genomic context (GRCh38, chr4:54,726,027, plus strand): 5'-ATGGCACGGTTGAATGTAAGGCTTACAACGATGTGGGCAAGACTTCTGCCTATTTTAACT[T>C]TGCATTTAAAGGTAACAACAAAGGTATATTTCTTTTTAATCCAATTTAAGGGGATGTTTA-3'
Protein context (NP_000213.1, residues 496-516): DVGKTSAYFN[Phe506Ser]AFKGNNKEQI